The following is an entry in ClinVar:

ClinVar aggregate classification (germline): Uncertain significance (1 of 4 stars; one submission).

gnomAD v4.1: 1 of 1,612,578 alleles (0.000062%); highest among the groups gnomAD compares: Admixed American, 0.0017%; no homozygotes.

Submission:

Labcorp Genetics (formerly Invitae), Labcorp
Classification: Uncertain significance. Last evaluated: 2024-05-02. Review status: criteria provided, single submitter. Criteria: Invitae Variant Classification Sherloc (09022015). Collection method: clinical testing. Allele origin: germline.
Comment: This sequence change replaces aspartic acid, which is acidic and polar, with asparagine, which is neutral and polar, at codon 172 of the LONP1 protein (p.Asp172Asn). This variant is not present in population databases (gnomAD no frequency). This variant has not been reported in the literature in individuals affected with LONP1-related conditions. Advanced modeling of protein sequence and biophysical properties (such as structural, functional, and spatial information, amino acid conservation, physicochemical variation, residue mobility, and thermodynamic stability) performed at Invitae indicates that this missense variant is not expected to disrupt LONP1 protein function with a negative predictive value of 80%. In summary, the available evidence is currently insufficient to determine the role of this variant in disease. Therefore, it has been classified as a Variant of Uncertain Significance.

NM_004793.4(LONP1):c.514G>A (p.Asp172Asn)

Gene: LONP1 (lon peptidase 1, mitochondrial; minus strand). Cytogenetic location: 19p13.3.
Variant type: single nucleotide variant.
Coding change: c.514G>A on transcript NM_004793.4 (MANE Select); coding-DNA position 514, G replaced by A.
Protein change: p.Asp172Asn; replaces aspartic acid 172 with asparagine.
Molecular consequence: missense variant. On other transcripts: 5 prime UTR variant (1), non-coding transcript variant (1).
Genome position (GRCh38, 1-based): chr19:5,714,187, C>T on the plus strand (G>A on the coding strand, the complement: LONP1 is on the minus strand). VCF-style: chr19-5714187-C-T. GRCh37 (hg19) VCF-style: chr19-5714198-C-T.
Other names: c.322G>A, p.Asp108Asn (NM_001276479.2); c.-75G>A (NM_001276480.1); short protein forms D172N, D108N.
Identifiers: ClinVar variation 2853639 (VCV002853639.3), dbSNP rs1037953522, ClinGen allele CA304639111.
Genomic context (GRCh38, chr19:5,714,187, plus strand): 5'-GTGAGCTGGACTCTAGGGCACCGTCAACAAGGGAATGAAGGAAAAATCACACTTACCTGT[C>T]ATCTCTCTTTAGAAAGACGCCGACATAAGGCTGGGCGAGACGAACTTTCCTTCTCAGCAG-3'
Protein context (NP_004784.2, residues 162-182): PYVGVFLKRD[Asp172Asn]SNESDVVESL